The following is an entry in ClinVar:

NM_001013838.3(CARMIL2):c.1385G>C (p.Arg462Pro)

Gene: CARMIL2 (capping protein regulator and myosin 1 linker 2; plus strand). Cytogenetic location: 16q22.1.
Variant type: single nucleotide variant.
Coding change: c.1385G>C on transcript NM_001013838.3 (MANE Select); coding-DNA position 1385, G replaced by C.
Protein change: p.Arg462Pro; replaces arginine 462 with proline.
Molecular consequence: missense variant.
Genome position (GRCh38, 1-based): chr16:67,648,448, G>C. VCF-style: chr16-67648448-G-C. GRCh37 (hg19) VCF-style: chr16-67682351-G-C.
Other names: c.1277G>C, p.Arg426Pro (NM_001317026.3); short protein forms R462P, R426P.
Identifiers: ClinVar variation 1492463 (VCV001492463.8), dbSNP rs1420024920, ClinGen allele CA396336568.
Genomic context (GRCh38, chr16:67,648,448, plus strand): 5'-CTTCCCCCAGGAAGTCCCGCGCCGCGCCGGCCGCGCTGCAGCTCTTCCTCAGCCGCGCGC[G>C]GACGCTGCGGCACCTGGGCCTGGCGGGCTGCAAGCTGCCGCCCGACGCGCTCAGGTCAGT-3'
Protein context (NP_001013860.1, residues 452-472): AALQLFLSRA[Arg462Pro]TLRHLGLAGC

ClinVar aggregate classification (germline): Uncertain significance (1 of 4 stars; one submission).

Allele frequency attached by ClinVar (database versions not stated): gnomAD 0.00001.
gnomAD v4.1: 6 of 1,467,926 alleles (0.00041%); highest among the groups gnomAD compares: Admixed American, 0.0026%; no homozygotes.

Submission:

Labcorp Genetics (formerly Invitae), Labcorp
Classification: Uncertain significance. Last evaluated: 2024-11-19. Review status: criteria provided, single submitter. Criteria: Invitae Variant Classification Sherloc (09022015). Collection method: clinical testing. Allele origin: germline.
Comment: This sequence change replaces arginine, which is basic and polar, with proline, which is neutral and non-polar, at codon 462 of the CARMIL2 protein (p.Arg462Pro). This variant is not present in population databases (gnomAD no frequency). This variant has not been reported in the literature in individuals affected with CARMIL2-related conditions. ClinVar contains an entry for this variant (Variation ID: 1492463). Invitae Evidence Modeling of protein sequence and biophysical properties (such as structural, functional, and spatial information, amino acid conservation, physicochemical variation, residue mobility, and thermodynamic stability) indicates that this missense variant is not expected to disrupt CARMIL2 protein function with a negative predictive value of 80%. In summary, the available evidence is currently insufficient to determine the role of this variant in disease. Therefore, it has been classified as a Variant of Uncertain Significance.